The following is an entry in ClinVar:

NM_001145715.3(KPNA7):c.1331G>A (p.Arg444Gln)

Gene: KPNA7 (karyopherin subunit alpha 7; minus strand). Cytogenetic location: 7q22.1.
Variant type: single nucleotide variant.
Coding change: c.1331G>A on transcript NM_001145715.3 (MANE Select); coding-DNA position 1331, G replaced by A.
Protein change: p.Arg444Gln; replaces arginine 444 with glutamine.
Molecular consequence: missense variant.
Genome position (GRCh38, 1-based): chr7:99,178,053, C>T on the plus strand (G>A on the coding strand, the complement: KPNA7 is on the minus strand). VCF-style: chr7-99178053-C-T. GRCh37 (hg19) VCF-style: chr7-98775676-C-T.
Other names: short protein forms R444Q.
Identifiers: ClinVar variation 1062416 (VCV001062416.6), dbSNP rs764548916, ClinGen allele CA4363106.

ClinVar aggregate classification (germline): Uncertain significance (1 of 4 stars; one submission).

Allele frequency attached by ClinVar (database versions not stated): gnomAD exomes 0.00001; gnomAD 0.00002 and 0.00003; ExAC 0.00005.
gnomAD v4.1: 20 of 1,551,360 alleles (0.0013%); highest among the groups gnomAD compares: Middle Eastern, 0.017%; no homozygotes.

Submission:

Labcorp Genetics (formerly Invitae), Labcorp
Classification: Uncertain significance. Last evaluated: 2022-08-10. Review status: criteria provided, single submitter. Criteria: Invitae Variant Classification Sherloc (09022015). Collection method: clinical testing. Allele origin: germline.
Comment: This sequence change replaces arginine, which is basic and polar, with glutamine, which is neutral and polar, at codon 444 of the KPNA7 protein (p.Arg444Gln). This variant is present in population databases (rs764548916, gnomAD 0.004%). This variant has not been reported in the literature in individuals affected with KPNA7-related conditions. ClinVar contains an entry for this variant (Variation ID: 1062416). Algorithms developed to predict the effect of missense changes on protein structure and function output the following: SIFT: "Tolerated"; PolyPhen-2: "Benign"; Align-GVGD: "Class C0". The glutamine amino acid residue is found in multiple mammalian species, which suggests that this missense change does not adversely affect protein function. In summary, the available evidence is currently insufficient to determine the role of this variant in disease. Therefore, it has been classified as a Variant of Uncertain Significance.